The following is an entry in ClinVar:

NM_153704.6(TMEM67):c.2557A>T (p.Lys853Ter)

Gene: TMEM67 (transmembrane protein 67; plus strand). Cytogenetic location: 8q22.1.
Variant type: single nucleotide variant.
Coding change: c.2557A>T on transcript NM_153704.6 (MANE Select); coding-DNA position 2557, A replaced by T.
Protein change: p.Lys853Ter; replaces lysine 853 with a stop codon.
Molecular consequence: nonsense. On other transcripts: non-coding transcript variant (1).
Genome position (GRCh38, 1-based): chr8:93,809,057, A>T. VCF-style: chr8-93809057-A-T. GRCh37 (hg19) VCF-style: chr8-94821285-A-T.
Other names: c.2314A>T, p.Lys772Ter (NM_001142301.1); short protein forms K772*, K853*.
Identifiers: ClinVar variation 56777 (VCV000056777.4), dbSNP rs386834196, ClinGen allele CA144476.
Genomic context (GRCh38, chr8:93,809,057, plus strand): 5'-TCATGTTTTTTAGATACCAAGAACATAACACTTTGTATTCATTTCTCTTTTTTACATTAG[A>T]AAAATGGTCCTGCTAGACTACTGAGTTCATCAGCAAGTACTTTTGAGCAGAGTATAAAAG-3'

ClinVar aggregate classification (germline): Likely pathogenic. Review status: criteria provided, single submitter (1 of 4 stars). 3 submissions from 3 submitters: Likely pathogenic (1). 2 of the submissions do not count toward it. Last evaluated 2024-03-05.

Conditions:
TMEM67-related disorder. Also called: TMEM67-related disorders; TMEM67-related condition. Identifiers: MedGen CN239423.
Meckel syndrome, type 3 (MKS3). Also called: MECKEL-GRUBER SYNDROME, TYPE 3. Identifiers: Orphanet 564, MedGen C1846357, MONDO:0011821, OMIM 607361.

Allele frequency attached by ClinVar (database versions not stated): gnomAD exomes below 0.00001.
gnomAD v4.1: 6 of 1,598,908 alleles (0.00038%); highest among the groups gnomAD compares: Non-Finnish European, 0.00051%; no homozygotes.

Submissions (3):

Blueprint Genetics
Classification: Likely pathogenic for TMEM67-related disorders. Last evaluated: 2024-03-05. Review status: criteria provided, single submitter. Criteria: ACMG Guidelines, 2015. Collection method: clinical testing. Allele origin: germline. Affected: yes. Observed: 2 variant alleles.

PreventionGenetics, part of Exact Sciences
Classification: Pathogenic for TMEM67-related condition. Last evaluated: 2024-04-30. Review status: no assertion criteria provided. Collection method: clinical testing. Allele origin: germline. Not counted in ClinVar's aggregate classification.
Comment: The TMEM67 c.2557A>T variant is predicted to result in premature protein termination (p.Lys853*). This variant has been reported in the compound heterozygous state in two siblings with Meckel syndrome type 3 (MKS3) (Family 2 in Khaddour et al. 2007. PubMed ID: 17397051). This variant has not been reported in a large population database, indicating this variant is rare. Nonsense variants in TMEM67 are expected to be pathogenic. This variant is interpreted as pathogenic.

Juha Muilu Group; Institute for Molecular Medicine Finland (FIMM)
Classification: Likely pathogenic for Meckel syndrome type 3. Review status: no assertion criteria provided. Collection method: not provided. Allele origin: unknown. Not counted in ClinVar's aggregate classification.
Comment: FinDis database variant: This variant was not found or characterized by our laboratory, data were collected from public sources: see reference
ClinVar note: Converted during submission from probable-pathogenic to Likely pathogenic.